The following is an entry in ClinVar:

NM_001348323.3(TRIP12):c.748G>T (p.Ala250Ser)

Gene: TRIP12 (thyroid hormone receptor interactor 12; minus strand). Cytogenetic location: 2q36.3.
Variant type: single nucleotide variant.
Coding change: c.748G>T on transcript NM_001348323.3 (MANE Select); coding-DNA position 748, G replaced by T.
Protein change: p.Ala250Ser; replaces alanine 250 with serine.
Molecular consequence: missense variant. On other transcripts: intron variant (1).
Genome position (GRCh38, 1-based): chr2:229,859,051, C>A on the plus strand (G>T on the coding strand, the complement: TRIP12 is on the minus strand). VCF-style: chr2-229859051-C-A. GRCh37 (hg19) VCF-style: chr2-230723767-C-A.
Other names: c.748G>T, p.Ala250Ser (NM_001348319.1, NM_001348320.2, NM_001348321.1 and 15 more transcripts); c.622G>T, p.Ala208Ser (NM_001348331.1, NM_004238.3, NM_001284215.2 and 3 more transcripts); c.98+20931G>T (NM_001284216.2); short protein forms A250S, A208S.
Identifiers: ClinVar variation 4726144 (VCV004726144.1).

ClinVar aggregate classification (germline): Uncertain significance (1 of 4 stars; one submission).

gnomAD v4.1: 1 of 1,614,156 alleles (0.000062%); highest among the groups gnomAD compares: African/African-American, 0.0013%; no homozygotes.

Submission:

Labcorp Genetics (formerly Invitae), Labcorp
Classification: Uncertain significance. Last evaluated: 2025-09-08. Review status: criteria provided, single submitter. Criteria: Invitae Variant Classification Sherloc (09022015). Collection method: clinical testing. Allele origin: germline.
Comment: This sequence change replaces alanine, which is neutral and non-polar, with serine, which is neutral and polar, at codon 208 of the TRIP12 protein (p.Ala208Ser). This variant is present in population databases (no rsID available, gnomAD 0.007%). This variant has not been reported in the literature in individuals affected with TRIP12-related conditions. An algorithm developed to predict the effect of missense changes on protein structure and function (PolyPhen-2) suggests that this variant is likely to be tolerated. In summary, the available evidence is currently insufficient to determine the role of this variant in disease. Therefore, it has been classified as a Variant of Uncertain Significance.